The following is an entry in ClinVar:

NM_006648.4(WNK2):c.268C>T (p.Arg90Cys)

Gene: WNK2 (WNK lysine deficient protein kinase 2; plus strand). Cytogenetic location: 9q22.31.
Variant type: single nucleotide variant.
Coding change: c.268C>T on transcript NM_006648.4 (MANE Select); coding-DNA position 268, C replaced by T.
Protein change: p.Arg90Cys; replaces arginine 90 with cysteine.
Molecular consequence: missense variant.
Genome position (GRCh38, 1-based): chr9:93,185,197, C>T. VCF-style: chr9-93185197-C-T. GRCh37 (hg19) VCF-style: chr9-95947479-C-T.
Other names: c.268C>T, p.Arg90Cys (NM_001282394.3); short protein forms R90C.
Identifiers: ClinVar variation 4605224 (VCV004605224.1).

ClinVar aggregate classification (germline): Uncertain significance (1 of 4 stars; one submission).

gnomAD v4.1: 1 of 1,162,220 alleles (0.000086%); highest among the groups gnomAD compares: South Asian, 0.0039%; no homozygotes.

Submission:

Ambry Genetics
Classification: Uncertain significance. Last evaluated: 2025-10-05. Review status: criteria provided, single submitter. Criteria: Ambry Variant Classification Scheme 2023. Collection method: clinical testing. Allele origin: germline.
Comment: The p.R90C variant (also known as c.268C>T), located in coding exon 1 of the WNK2 gene, results from a C to T substitution at nucleotide position 268. The arginine at codon 90 is replaced by cysteine, an amino acid with highly dissimilar properties. This amino acid position is conserved. In addition, this alteration is predicted to be tolerated by in silico analysis. Based on the available evidence, the clinical significance of this variant remains unclear.